The following is an entry in ClinVar:

NM_001009999.3(KDM1A):c.2414C>A (p.Thr805Asn)

Gene: KDM1A (lysine demethylase 1A; plus strand). Cytogenetic location: 1p36.12.
Variant type: single nucleotide variant.
Coding change: c.2414C>A on transcript NM_001009999.3 (MANE Select); coding-DNA position 2414, C replaced by A.
Protein change: p.Thr805Asn; replaces threonine 805 with asparagine.
Molecular consequence: missense variant.
Genome position (GRCh38, 1-based): chr1:23,082,335, C>A. VCF-style: chr1-23082335-C-A. GRCh37 (hg19) VCF-style: chr1-23408828-C-A.
Other names: c.2360C>A, p.Thr787Asn (NM_001363654.2); c.2420C>A, p.Thr807Asn (NM_001410762.1); c.2342C>A, p.Thr781Asn (NM_001410763.1, NM_015013.4); short protein forms T781N, T787N, T805N, T807N.
Identifiers: ClinVar variation 4091089 (VCV004091089.2).
Genomic context (GRCh38, chr1:23,082,335, plus strand): 5'-ATTCCTATGTTGCTGCAGGATCATCTGGAAATGACTATGATTTAATGGCTCAGCCAATCA[C>A]TCCTGGCCCCTCGATTCCAGGTGCCCCACAGGTGAGAAGCTGGCAAACTATCTGGGCTTA-3'
Protein context (NP_001009999.1, residues 795-815): NDYDLMAQPI[Thr805Asn]PGPSIPGAPQ

ClinVar aggregate classification (germline): Uncertain significance. Review status: criteria provided, multiple submitters, no conflicts (2 of 4 stars). 2 submissions from 2 submitters: Uncertain significance (2). Last evaluated 2025-08-08.

Conditions:
Inborn genetic diseases. Identifiers: MedGen C0950123, MeSH D030342.

Submissions (2):

Ambry Genetics
Classification: Uncertain significance for Inborn genetic diseases. Last evaluated: 2025-08-08. Review status: criteria provided, single submitter. Criteria: Ambry Variant Classification Scheme 2023. Collection method: clinical testing. Allele origin: germline.
Comment: The p.T805N variant (also known as c.2414C>A), located in coding exon 20 of the KDM1A gene, results from a C to A substitution at nucleotide position 2414. The threonine at codon 805 is replaced by asparagine, an amino acid with similar properties. This amino acid position is conserved. In addition, the in silico prediction for this alteration is inconclusive. Based on the available evidence, the clinical significance of this variant remains unclear.

Labcorp Genetics (formerly Invitae), Labcorp
Classification: Uncertain significance. Last evaluated: 2025-04-13. Review status: criteria provided, single submitter. Criteria: Invitae Variant Classification Sherloc (09022015). Collection method: clinical testing. Allele origin: germline.
Comment: This sequence change replaces threonine, which is neutral and polar, with asparagine, which is neutral and polar, at codon 805 of the KDM1A protein (p.Thr805Asn). This variant is not present in population databases (gnomAD no frequency). This variant has not been reported in the literature in individuals affected with KDM1A-related conditions. Invitae Evidence Modeling of protein sequence and biophysical properties (such as structural, functional, and spatial information, amino acid conservation, physicochemical variation, residue mobility, and thermodynamic stability) indicates that this missense variant is not expected to disrupt KDM1A protein function with a negative predictive value of 80%. In summary, the available evidence is currently insufficient to determine the role of this variant in disease. Therefore, it has been classified as a Variant of Uncertain Significance.